The following is an entry in ClinVar:

NM_000264.5(PTCH1):c.301T>G (p.Phe101Val)

Gene: PTCH1 (patched 1; minus strand). Cytogenetic location: 9q22.32.
Variant type: single nucleotide variant.
Coding change: c.301T>G on transcript NM_000264.5 (MANE Select); coding-DNA position 301, T replaced by G.
Protein change: p.Phe101Val; replaces phenylalanine 101 with valine.
Molecular consequence: missense variant. On other transcripts: 5 prime UTR variant (4), non-coding transcript variant (1).
Genome position (GRCh38, 1-based): chr9:95,506,500, A>C on the plus strand (T>G on the coding strand, the complement: PTCH1 is on the minus strand). VCF-style: chr9-95506500-A-C. GRCh37 (hg19) VCF-style: chr9-98268782-A-C.
Other names: c.103T>G, p.Phe35Val (NM_001083602.3, NM_001354919.2); c.298T>G, p.Phe100Val (NM_001083603.3); c.-153T>G (NM_001083604.3, NM_001083605.3, NM_001083606.3 and 1 more transcripts); c.301T>G, p.Phe101Val (NM_001354918.2); short protein forms F100V, F101V, F35V.
Identifiers: ClinVar variation 3784618 (VCV003784618.1).

ClinVar aggregate classification (germline): Uncertain significance (1 of 4 stars; one submission).

Conditions:
Hereditary cancer-predisposing syndrome. Also called: Neoplastic Syndromes, Hereditary; Hereditary Cancer Syndrome; Tumor predisposition; Hereditary neoplastic syndrome. Identifiers: Orphanet 140162, MedGen C0027672, MeSH D009386, MONDO:0015356.

gnomAD v4.1: 1 of 1,613,662 alleles (0.000062%); highest among the groups gnomAD compares: Non-Finnish European, 0.000085%; no homozygotes.

Submission:

Ambry Genetics
Classification: Uncertain significance for Hereditary cancer-predisposing syndrome. Last evaluated: 2024-12-20. Review status: criteria provided, single submitter. Criteria: Ambry Variant Classification Scheme 2023. Collection method: clinical testing. Allele origin: germline.
Comment: The p.F101V variant (also known as c.301T>G), located in coding exon 2 of the PTCH1 gene, results from a T to G substitution at nucleotide position 301. The phenylalanine at codon 101 is replaced by valine, an amino acid with highly similar properties. This amino acid position is conserved. In addition, this alteration is predicted to be deleterious by in silico analysis. Based on the available evidence, the clinical significance of this variant remains unclear.